The following is an entry in ClinVar:

NM_007294.3(BRCA1):c.4358_4484del

Gene: BRCA1 (BRCA1 DNA repair associated; minus strand). Cytogenetic location: 17q21.31.
Variant type: Deletion.
Coding change: c.4358_4484del on transcript NM_007294.3; coding-DNA positions 4358 to 4484, 127 bases deleted.
Molecular consequence: splice acceptor variant (on NM_001407858.1). On other transcripts: intron variant (3).
Genome position (GRCh38, 1-based): chr17:43,076,488-43,076,614, 127 bases deleted. GRCh37 (hg19): chr17:41,228,509-41,228,635.
Other names: c.4358-3_4481del (NM_001407858.1, NM_001407616.1, NM_001407859.1 and 7 more transcripts); c.4424-3_4547del (NM_007300.4, NM_001407583.1, NM_001407585.1); c.4214-3_4337del (NM_001407843.1, NM_001407841.1, NM_001407838.1 and 8 more transcripts); c.4217-3_4340del (NM_001407733.1, NM_001407739.1, NM_001407737.1 and 7 more transcripts); c.839-3_962del (NM_001408482.1, NM_001408484.1, NM_001408485.1 and 2 more transcripts); c.4094-3_4217del (NM_001407927.1, NM_001407928.1, NM_001407929.1); c.932-3_1055del (NM_001408422.1, NM_001408423.1); c.4148-3_4271del (NM_001407900.1, NM_001407902.1, NM_001407906.1 and 1 more transcripts); and 35 more.
Identifiers: ClinVar variation 188413 (VCV000188413.4), ClinGen allele CA002799.

ClinVar aggregate classification (germline): Pathogenic. Review status: reviewed by expert panel (3 of 4 stars). 2 submissions from 2 submitters: Pathogenic (1). 1 of the submissions does not count toward it. Last evaluated 2017-12-15.

Conditions:
Breast-ovarian cancer, familial, susceptibility to, 1 (BROVCA1). Also called: OVARIAN CANCER, SUSCEPTIBILITY TO; BRCA1 Hereditary Breast and Ovarian Cancer. Identifiers: Orphanet 145, MedGen C2676676, MONDO:0011450, OMIM 604370. Disease mechanism: loss of function.

Submissions (2):

Evidence-based Network for the Interpretation of Germline Mutant Alleles (ENIGMA)
Classification: Pathogenic for Breast-ovarian cancer, familial, susceptibility to, 1. Last evaluated: 2017-12-15. Review status: reviewed by expert panel. Criteria: ENIGMA BRCA1/2 Classification Criteria (2017-06-29). Collection method: curation. Allele origin: germline. Study: ENIGMA.
Comment: Variant allele predicted to encode a truncated non-functional protein.

Quest Diagnostics Nichols Institute San Juan Capistrano
Classification: Pathogenic. Last evaluated: 2025-03-18. Review status: criteria provided, single submitter. Criteria: Quest Diagnostics criteria. Collection method: clinical testing. Allele origin: unknown. Not counted in ClinVar's aggregate classification.
Comment: A deletion of exon 13 (c.4358_4484) in the BRCA1 gene is predicted to disrupt the translation reading frame of the BRCA1 mRNA and result in the premature termination of BRCA1 protein synthesis. In the published literature, a similar deletion of exon 13 in the BRCA1 gene has been reported in multiple individuals or families with hereditary breast and/or ovarian cancer (PMID: 32629901 (2020), 22544547 (2012), 22006311 (2011), 20232141 (2011), 16793929 (2006)). This variant has not been reported in large, multi-ethnic general populations (Genome Aggregation Database). Based on the available information, this variant is classified as pathogenic.

Literature cited by the submitters: PubMed 16793929 (cited by Quest Diagnostics Nichols Institute San Juan Capistrano); PubMed 22544547 (cited by Quest Diagnostics Nichols Institute San Juan Capistrano); PubMed 32629901 (cited by Quest Diagnostics Nichols Institute San Juan Capistrano); PubMed 22006311 (cited by Quest Diagnostics Nichols Institute San Juan Capistrano); PubMed 20232141 (cited by Quest Diagnostics Nichols Institute San Juan Capistrano).